The following is an entry in ClinVar:

ClinVar aggregate classification (germline): Pathogenic (1 of 4 stars; one submission).

Conditions:
Kabuki syndrome 2 (KABUK2). Also called: KDM6A-Related Kabuki Syndrome. Identifiers: Orphanet 2322, MedGen C3275495, MONDO:0010465, OMIM 300867.

Submissions (2):

Labcorp Genetics (formerly Invitae), Labcorp
Classification: Pathogenic for Kabuki syndrome 2. Last evaluated: 2021-04-15. Review status: criteria provided, single submitter. Criteria: Invitae Variant Classification Sherloc (09022015). Collection method: clinical testing. Allele origin: germline.
Comment: For these reasons, this variant has been classified as Pathogenic. Algorithms developed to predict the effect of sequence changes on RNA splicing suggest that this variant may disrupt the consensus splice site, but this prediction has not been confirmed by published transcriptional studies. Disruption of this splice site has been observed in individual(s) with clinical features of Kabuki syndrome (Invitae). This variant is not present in population databases (ExAC no frequency). This sequence change affects a donor splice site in intron 17 of the KDM6A gene. It is expected to disrupt RNA splicing. Variants that disrupt the donor or acceptor splice site typically lead to a loss of protein function (PMID: 16199547), and loss-of-function variants in KDM6A are known to be pathogenic (PMID: 23076834, 23913813).

Dr. Peter K. Rogan Lab, Western University
No classification provided (evidence only). Condition: Thyroid cancer, nonmedullary, 1. Review status: no classification provided. Collection method: in vitro. Allele origin: not applicable. Functional consequence: retained intron. Not counted in ClinVar's aggregate classification.

Literature cited by the submitters: PubMed 16199547 (cited by Labcorp Genetics (formerly Invitae), Labcorp); PubMed 23076834 (cited by Labcorp Genetics (formerly Invitae), Labcorp); PubMed 23913813 (cited by Labcorp Genetics (formerly Invitae), Labcorp).

NM_001291415.2(KDM6A):c.2858+1G>A

Gene: KDM6A (lysine demethylase 6A; plus strand). Cytogenetic location: Xp11.3.
Variant type: single nucleotide variant.
Coding change: c.2858+1G>A on transcript NM_001291415.2 (MANE Select); the canonical splice donor site of the intron after coding-DNA position 2858, G replaced by A.
Molecular consequence: splice donor variant.
Genome position (GRCh38, 1-based): chrX:45,070,358, G>A. VCF-style: chrX-45070358-G-A. GRCh37 (hg19) VCF-style: chrX-44929603-G-A.
Other names: c.2702+1G>A (NM_021140.4); c.2600+1G>A (NM_001410742.1); c.2723+1G>A (NM_001291416.2); c.2567+1G>A (NM_001291417.2); c.2465+1G>A (NM_001291418.2); c.1814+1G>A (NM_001291421.2).
Identifiers: ClinVar variation 1067136 (VCV001067136.11), dbSNP rs2148058653, ClinGen allele CA412796368.